The following is an entry in ClinVar:

NM_015836.4(WARS2):c.925G>T (p.Ala309Ser)

Gene: WARS2 (tryptophanyl tRNA synthetase 2, mitochondrial; minus strand). Cytogenetic location: 1p12.
Variant type: single nucleotide variant.
Coding change: c.925G>T on transcript NM_015836.4 (MANE Select); coding-DNA position 925, G replaced by T.
Protein change: p.Ala309Ser; replaces alanine 309 with serine.
Molecular consequence: missense variant. On other transcripts: 3 prime UTR variant (2).
Genome position (GRCh38, 1-based): chr1:119,033,069, C>A on the plus strand (G>T on the coding strand, the complement: WARS2 is on the minus strand). VCF-style: chr1-119033069-C-A. GRCh37 (hg19) VCF-style: chr1-119575692-C-A.
Other names: c.856G>T, p.Ala286Ser (NM_001378226.1, NM_001378227.1); c.754G>T, p.Ala252Ser (NM_001378228.1); c.667G>T, p.Ala223Ser (NM_001378229.1); c.643G>T, p.Ala215Ser (NM_001378230.1); c.*260G>T (NM_001378231.1); c.*291G>T (NM_201263.2); c.925G>T (NM_015836.3); short protein forms A223S, A252S, A286S, A215S, A309S.
Identifiers: ClinVar variation 2862803 (VCV002862803.4), dbSNP rs932382697, ClinGen allele CA30376554.

ClinVar aggregate classification (germline): Uncertain significance. Review status: criteria provided, multiple submitters, no conflicts (2 of 4 stars). 2 submissions from 2 submitters: Uncertain significance (2). Last evaluated 2023-12-26.

Conditions:
Inborn genetic diseases. Identifiers: MedGen C0950123, MeSH D030342.

Allele frequency attached by ClinVar (database versions not stated): gnomAD exomes 0.00001; gnomAD 0.00005; TOPMed 0.00008.
gnomAD v4.1: 18 of 1,614,138 alleles (0.0011%); highest among the groups gnomAD compares: African/African-American, 0.013%; no homozygotes.

Submissions (2):

Ambry Genetics
Classification: Uncertain significance for Inborn genetic diseases. Last evaluated: 2023-12-26. Review status: criteria provided, single submitter. Criteria: Ambry Variant Classification Scheme 2023. Collection method: clinical testing. Allele origin: germline.

Labcorp Genetics (formerly Invitae), Labcorp
Classification: Uncertain significance. Last evaluated: 2023-06-29. Review status: criteria provided, single submitter. Criteria: Invitae Variant Classification Sherloc (09022015). Collection method: clinical testing. Allele origin: germline.
Comment: Advanced modeling of protein sequence and biophysical properties (such as structural, functional, and spatial information, amino acid conservation, physicochemical variation, residue mobility, and thermodynamic stability) performed at Invitae indicates that this missense variant is not expected to disrupt WARS2 protein function. In summary, the available evidence is currently insufficient to determine the role of this variant in disease. Therefore, it has been classified as a Variant of Uncertain Significance. This variant has not been reported in the literature in individuals affected with WARS2-related conditions. This variant is present in population databases (no rsID available, gnomAD 0.008%). This sequence change replaces alanine, which is neutral and non-polar, with serine, which is neutral and polar, at codon 309 of the WARS2 protein (p.Ala309Ser).